The following is an entry in ClinVar:

NM_001374623.1(PNPLA1):c.434T>C (p.Ile145Thr)

Gene: PNPLA1 (patatin like domain 1, omega-hydroxyceramide transacylase; plus strand). Cytogenetic location: 6p21.31.
Variant type: single nucleotide variant.
Coding change: c.434T>C on transcript NM_001374623.1 (MANE Select); coding-DNA position 434, T replaced by C.
Protein change: p.Ile145Thr; replaces isoleucine 145 with threonine.
Molecular consequence: missense variant.
Genome position (GRCh38, 1-based): chr6:36,291,548, T>C. VCF-style: chr6-36291548-T-C. GRCh37 (hg19) VCF-style: chr6-36259325-T-C.
Other names: c.149T>C, p.Ile50Thr (NM_001145716.2, NM_173676.2); c.434T>C, p.Ile145Thr (NM_001145717.1); short protein forms I145T, I50T.
Identifiers: ClinVar variation 1723258 (VCV001723258.1), dbSNP rs779655402, ClinGen allele CA3777680.

ClinVar aggregate classification (germline): Uncertain significance (1 of 4 stars; one submission).

Allele frequency attached by ClinVar (database versions not stated): ExAC 0.00001; gnomAD 0.00001; gnomAD exomes 0.00001; TOPMed 0.00001.
gnomAD v4.1: 10 of 1,336,838 alleles (0.00075%); highest among the groups gnomAD compares: East Asian, 0.0042%; no homozygotes.

Submission:

Women's Health and Genetics/Laboratory Corporation of America, LabCorp
Classification: Uncertain significance. Last evaluated: 2022-10-08. Review status: criteria provided, single submitter. Criteria: LabCorp Variant Classification Summary - May 2015. Collection method: clinical testing. Allele origin: germline.
Comment: Variant summary: PNPLA1 c.434T>C (p.Ile145Thr) results in a non-conservative amino acid change located in the Patatin-like phospholipase domain (IPR002641) of the encoded protein sequence. Four of five in-silico tools predict a damaging effect of the variant on protein function. The variant allele was found at a frequency of 9.2e-06 in 216454 control chromosomes. The available data on variant occurrences in the general population are insufficient to allow any conclusion about variant significance. c.434T>C has been reported in the literature as a presumed compound heterozygous genotype in at-least one individual affected with Lamellar Ichthyosis (example, Zimmer_2017). These data do not allow any conclusion about variant significance. To our knowledge, no experimental evidence demonstrating an impact on protein function has been reported. No clinical diagnostic laboratories have submitted clinical-significance assessments for this variant to ClinVar after 2014. Based on the evidence outlined above, the variant was classified as uncertain significance.

Literature cited by the submitters: PubMed 34908195; PubMed 28093717.